The following is an entry in ClinVar:

NM_020884.7(MYH7B):c.2753C>T (p.Ser918Phe)

Gene: MYH7B (myosin heavy chain 7B; plus strand). Cytogenetic location: 20q11.22.
Variant type: single nucleotide variant.
Coding change: c.2753C>T on transcript NM_020884.7 (MANE Select); coding-DNA position 2753, C replaced by T.
Protein change: p.Ser918Phe; replaces serine 918 with phenylalanine.
Molecular consequence: missense variant.
Genome position (GRCh38, 1-based): chr20:34,995,388, C>T. VCF-style: chr20-34995388-C-T. GRCh37 (hg19) VCF-style: chr20-33583191-C-T.
Other names: c.2879C>T (NM_020884.4); short protein forms S918F.
Identifiers: ClinVar variation 3158502 (VCV003158502.2), dbSNP rs1353056025, ClinGen allele CA408708065.

ClinVar aggregate classification (germline): Uncertain significance. Review status: criteria provided, multiple submitters, no conflicts (2 of 4 stars). 2 submissions from 2 submitters: Uncertain significance (2). Last evaluated 2024-11-11.

Conditions:
MYH7B-related disorder. Also called: MYH7B-related condition.

Allele frequency attached by ClinVar (database versions not stated): gnomAD 0.00001; TOPMed 0.00004.
gnomAD v4.1: 13 of 1,613,886 alleles (0.00081%); highest among the groups gnomAD compares: Admixed American, 0.015%; no homozygotes.

Submissions (2):

PreventionGenetics, part of Exact Sciences
Classification: Uncertain significance for MYH7B-related condition. Last evaluated: 2024-11-11. Review status: criteria provided, single submitter. Criteria: ACMG Guidelines, 2015. Collection method: clinical testing. Allele origin: germline.
Comment: The MYH7B c.2879C>T variant is predicted to result in the amino acid substitution p.Ser960Phe. To our knowledge, this variant has not been reported in the literature. This variant is reported in 0.017% of alleles in individuals of Latino descent in gnomAD. At this time, the clinical significance of this variant is uncertain due to the absence of conclusive functional and genetic evidence.

Ambry Genetics
Classification: Uncertain significance. Last evaluated: 2023-11-28. Review status: criteria provided, single submitter. Criteria: Ambry Variant Classification Scheme 2023. Collection method: clinical testing. Allele origin: germline.